The following is an entry in ClinVar:

NM_032578.4(MYPN):c.1891A>G (p.Arg631Gly)

Gene: MYPN (myopalladin; plus strand). Cytogenetic location: 10q21.3.
Variant type: single nucleotide variant.
Coding change: c.1891A>G on transcript NM_032578.4 (MANE Select); coding-DNA position 1891, A replaced by G.
Protein change: p.Arg631Gly; replaces arginine 631 with glycine.
Molecular consequence: missense variant. On other transcripts: non-coding transcript variant (2).
Genome position (GRCh38, 1-based): chr10:68,166,584, A>G. VCF-style: chr10-68166584-A-G. GRCh37 (hg19) VCF-style: chr10-69926341-A-G.
Other names: c.1891A>G, p.Arg631Gly (NM_001256267.2); c.1009A>G, p.Arg337Gly (NM_001256268.2); short protein forms R337G, R631G.
Identifiers: ClinVar variation 1488943 (VCV001488943.8), dbSNP rs2134169305, ClinGen allele CA376840650.

ClinVar aggregate classification (germline): Uncertain significance (1 of 4 stars; one submission).

Conditions:
Dilated cardiomyopathy 1KK (CMD1KK). Identifiers: Orphanet 154, Orphanet 75249, MedGen C3714995, MONDO:0014100, OMIM 615248.

Submission:

Labcorp Genetics (formerly Invitae), Labcorp
Classification: Uncertain significance for Dilated cardiomyopathy 1KK. Last evaluated: 2021-07-14. Review status: criteria provided, single submitter. Criteria: Invitae Variant Classification Sherloc (09022015). Collection method: clinical testing. Allele origin: germline.
Comment: This sequence change replaces arginine with glycine at codon 631 of the MYPN protein (p.Arg631Gly). The arginine residue is moderately conserved and there is a moderate physicochemical difference between arginine and glycine. This variant is not present in population databases (ExAC no frequency). This variant has not been reported in the literature in individuals affected with MYPN-related conditions. Algorithms developed to predict the effect of missense changes on protein structure and function (SIFT, PolyPhen-2, Align-GVGD) all suggest that this variant is likely to be tolerated. In summary, the available evidence is currently insufficient to determine the role of this variant in disease. Therefore, it has been classified as a Variant of Uncertain Significance.